The following is an entry in ClinVar:

NM_002900.3(RBP3):c.1146T>G (p.Asp382Glu)

Gene: RBP3 (retinol binding protein 3; plus strand). Cytogenetic location: 10q11.22.
Variant type: single nucleotide variant.
Coding change: c.1146T>G on transcript NM_002900.3 (MANE Select); coding-DNA position 1146, T replaced by G.
Protein change: p.Asp382Glu; replaces aspartic acid 382 with glutamic acid.
Molecular consequence: missense variant.
Genome position (GRCh38, 1-based): chr10:47,349,630, T>G. VCF-style: chr10-47349630-T-G. GRCh37 (hg19) VCF-style: chr10-48389732-A-C.
Other names: short protein forms D382E.
Identifiers: ClinVar variation 299987 (VCV000299987.9), dbSNP rs782731785, ClinGen allele CA10635769.

ClinVar aggregate classification (germline): Uncertain significance. Review status: criteria provided, multiple submitters, no conflicts (2 of 4 stars). 3 submissions from 3 submitters: Uncertain significance (3). Last evaluated 2022-10-14.

Conditions:
Retinitis pigmentosa (RP). Identifiers: Orphanet 791, MedGen C0035334, MeSH D012174, MONDO:0019200, OMIM 268000. Inheritance: Autosomal dominant, autosomal recessive and X linked inheritance.

Allele frequency attached by ClinVar (database versions not stated): gnomAD exomes below 0.00001 and 0.00001; TOPMed 0.00001.
gnomAD v4.1: 2 of 1,612,576 alleles (0.00012%); highest among the groups gnomAD compares: Admixed American, 0.0033%; no homozygotes.

Submissions (3):

Blueprint Genetics
Classification: Uncertain significance. Last evaluated: 2022-10-14. Review status: criteria provided, single submitter. Criteria: ACMG Guidelines, 2015. Collection method: clinical testing. Allele origin: germline.

Labcorp Genetics (formerly Invitae), Labcorp
Classification: Uncertain significance. Last evaluated: 2022-07-05. Review status: criteria provided, single submitter. Criteria: Invitae Variant Classification Sherloc (09022015). Collection method: clinical testing. Allele origin: germline.
Comment: This sequence change replaces aspartic acid, which is acidic and polar, with glutamic acid, which is acidic and polar, at codon 382 of the RBP3 protein (p.Asp382Glu). This variant is present in population databases (rs782731785, gnomAD 0.009%). This variant has not been reported in the literature in individuals affected with RBP3-related conditions. ClinVar contains an entry for this variant (Variation ID: 299987). Algorithms developed to predict the effect of missense changes on protein structure and function are either unavailable or do not agree on the potential impact of this missense change (SIFT: "Deleterious"; PolyPhen-2: "Possibly Damaging"; Align-GVGD: "Class C0"). In summary, the available evidence is currently insufficient to determine the role of this variant in disease. Therefore, it has been classified as a Variant of Uncertain Significance.

Illumina Laboratory Services, Illumina
Classification: Uncertain significance for Retinitis pigmentosa. Last evaluated: 2018-01-13. Review status: criteria provided, single submitter. Criteria: ICSL Variant Classification Criteria 13 December 2019. Collection method: clinical testing. Allele origin: germline.